The following is an entry in ClinVar:

NM_001134831.2(AHI1):c.1693dup (p.Arg565fs)

Gene: AHI1 (Abelson helper integration site 1; minus strand). Cytogenetic location: 6q23.3.
Variant type: Duplication.
Coding change: c.1693dup on transcript NM_001134831.2 (MANE Select); coding-DNA position 1693, one base duplicated (C; older notation c.1693dupC).
Protein change: p.Arg565fs; shifts the reading frame from arginine 565.
Molecular consequence: frameshift variant.
Genome position (GRCh38, 1-based): chr6:135,447,094, G duplicated on the plus strand (C on the coding strand, the reverse complement: AHI1 is on the minus strand). VCF-style (leftmost placement, unchanged base first): chr6-135447093-C-CG. GRCh37 (hg19) VCF-style: chr6-135768231-C-CG.
Other names: c.1693dup, p.Arg565fs (NM_001134830.2, NM_001134832.2, NM_001350503.2 and 2 more transcripts); short protein forms R565fs.
Identifiers: ClinVar variation 5015345 (VCV005015345.1).
Genomic context (GRCh38, chr6:135,447,093, plus strand): 5'-ATTACTTCCTTTGACTCTTCTAATCCAGGTTCTGTGTCTACTGAGCTTGACTCATGGTGA[C>CG]GTTCACAATGCACTGGTTTACCTTTTTCCTCCTGAAGAGCCATCATAGAGCGGTAAGATG-3'

ClinVar aggregate classification (germline): Pathogenic (1 of 4 stars; one submission).

Conditions:
Joubert syndrome 3 (JBTS3). Also called: AHI1-related Ciliopathy. Identifiers: Orphanet 220493, MedGen C1837713, MONDO:0012078, OMIM 608629.

Submission:

Myriad Genetics, Inc.
Classification: Pathogenic for Joubert syndrome 3. Last evaluated: 2025-12-19. Review status: criteria provided, single submitter. Criteria: Myriad Autosomal Dominant, Autosomal Recessive and X-Linked Classification Criteria (2023). Collection method: clinical testing. Allele origin: unknown.
Comment: NM_001134831.1(AHI1):c.1693dupC(R565Pfs*4) is expected to be pathogenic in the context of Joubert syndrome, AHI1-related. This variant is predicted to lead to an abnormal or absent protein product due to the creation of a premature termination codon in AHI1, a gene where loss-of-function variants are known to be pathogenic. Please note: this variant was assessed in the context of healthy population screening.